The following is an entry in ClinVar:

NM_032603.5(LOXL3):c.449delinsAA (p.Pro150fs)

Genes: DOK1 (docking protein 1; plus strand), LOXL3 (lysyl oxidase like 3; minus strand). Cytogenetic location: 2p13.1.
Variant type: Indel.
Coding change: c.449delinsAA on transcript NM_032603.5 (MANE Select); coding-DNA position 449, C replaced by AA.
Protein change: p.Pro150fs; shifts the reading frame from proline 150.
Molecular consequence: frameshift variant. On other transcripts: intron variant (1).
Genome position (GRCh38, 1-based): chr2:74,550,213, G replaced by TT on the plus strand (C replaced by AA on the coding strand, the reverse complement: LOXL3 is on the minus strand). VCF-style: chr2-74550213-G-TT. GRCh37 (hg19) VCF-style: chr2-74777340-G-TT.
Other names: c.449delinsAA, p.Pro150fs (NM_001289164.3); c.-358+1041delinsTT (NM_001197260.2); short protein forms P150fs.
Identifiers: ClinVar variation 1810228 (VCV001810228.3), dbSNP rs2530025111, ClinGen allele CA2580068215.
Genomic context (GRCh38, chr2:74,550,213, plus strand): 5'-AGTGTGTGTGTGTATGTCTAGGAAATGCAGACCTCAATGACATTGGAGTCCGAGAAGCCA[G>TT]GGAGGCGCTGGTCTTTGCAGATGACCCCAGCATCCTCATCGTGCGTACAGTCACTGTTCC-3'

ClinVar aggregate classification (germline): Pathogenic/Likely pathogenic. Review status: criteria provided, multiple submitters, no conflicts (2 of 4 stars). 2 submissions from 2 submitters: Pathogenic (1); Likely pathogenic (1). Last evaluated 2025-08-01.

Conditions:
Myopia 28, autosomal recessive (MYP28). Identifiers: MedGen C5676935, MONDO:0030697, OMIM 619781.

Submissions (2):

First Genomix Gene Laboratory, Genetic Diagnostics Department
Classification: Likely pathogenic for Myopia 28, autosomal recessive. Last evaluated: 2025-08-01. Review status: criteria provided, single submitter. Criteria: ACMG Guidelines, 2015. Collection method: clinical testing. Allele origin: germline. Inheritance: Autosomal recessive inheritance. Affected: no. Observed: 1 variant allele.

Dubai Health Genomic Medicine Center, Dubai Health
Classification: Pathogenic for Myopia 28, autosomal recessive. Last evaluated: 2024-10-04. Review status: criteria provided, single submitter. Criteria: ACMG Guidelines, 2015. Collection method: research. Allele origin: germline. Affected: yes.
Comment: PVS1, PM2, PM3